The following is an entry in ClinVar:

NM_001555.5(IGSF1):c.3550C>T (p.Arg1184Ter)

Gene: IGSF1 (immunoglobulin superfamily member 1; minus strand). Cytogenetic location: Xq26.1.
Variant type: single nucleotide variant.
Coding change: c.3550C>T on transcript NM_001555.5 (MANE Select); coding-DNA position 3550, C replaced by T.
Protein change: p.Arg1184Ter; replaces arginine 1184 with a stop codon.
Molecular consequence: nonsense.
Genome position (GRCh38, 1-based): chrX:131,274,800, G>A on the plus strand (C>T on the coding strand, the complement: IGSF1 is on the minus strand). VCF-style: chrX-131274800-G-A. GRCh37 (hg19) VCF-style: chrX-130408774-G-A.
Other names: c.3565C>T, p.Arg1189Ter (NM_001170961.2); c.3523C>T, p.Arg1175Ter (NM_001170962.2); short protein forms R1184*, R1189*, R1175*.
Identifiers: ClinVar variation 1033351 (VCV001033351.3), dbSNP rs1220996970, ClinGen allele CA414556934.

ClinVar aggregate classification (germline): Pathogenic. Review status: criteria provided, multiple submitters, no conflicts (2 of 4 stars). 2 submissions from 2 submitters: Pathogenic (2). Last evaluated 2021-09-08.

Conditions:
X-linked central congenital hypothyroidism with late-onset testicular enlargement. Also called: Hypothyroidism, central, and testicular enlargement; HYPOTHYROIDISM, CENTRAL, WITH TESTICULAR ENLARGEMENT. Identifiers: Orphanet 329235, MedGen C3550963, MONDO:0010475, OMIM 300888.

Allele frequency attached by ClinVar (database versions not stated): TOPMed 0.00001.

Submissions (2):

GeneDx
Classification: Pathogenic. Last evaluated: 2021-09-08. Review status: criteria provided, single submitter. Criteria: GeneDx Variant Classification Process June 2021. Collection method: clinical testing. Allele origin: germline. Affected: yes.
Comment: Published functional studies suggest a damaging effect (Nakamura et al., 2013); Nonsense variant predicted to result in protein truncation or nonsense mediated decay in a gene for which loss-of-function is a known mechanism of disease; Not observed in large population cohorts (Lek et al., 2016); This variant is associated with the following publications: (PMID: 25346914, 23966245, 31504637, 31384098)

Baylor Genetics
Classification: Pathogenic for X-linked central congenital hypothyroidism with late-onset testicular enlargement. Last evaluated: 2018-08-15. Review status: criteria provided, single submitter. Criteria: ACMG Guidelines, 2015. Collection method: clinical testing. Allele origin: maternal. Affected: yes.
Comment: This variant was determined to be pathogenic according to ACMG Guidelines, 2015 [PMID:25741868]. This variant has been previously reported in two Japanese male patients with congenital central hypothyroidism who had normal thyroid stimulating hormone (TSH) but low FT4 level in serum [PMID: 23966245]

Literature cited by the submitters: PubMed 23966245 (cited by Baylor Genetics).